The following is an entry in ClinVar:

NM_025114.4(CEP290):c.1712-6A>G

Gene: CEP290 (centrosomal protein 290; minus strand). Cytogenetic location: 12q21.32.
Variant type: single nucleotide variant.
Coding change: c.1712-6A>G on transcript NM_025114.4 (MANE Select); 6 bases into the intron before coding-DNA position 1712, A replaced by G.
Molecular consequence: intron variant.
Genome position (GRCh38, 1-based): chr12:88,117,151, T>C on the plus strand (A>G on the coding strand, the complement: CEP290 is on the minus strand). VCF-style: chr12-88117151-T-C. GRCh37 (hg19) VCF-style: chr12-88510928-T-C.
Other names: c.1712-6A>G (NM_025114.3).
Identifiers: ClinVar variation 1299958 (VCV001299958.12), dbSNP rs1452155200, ClinGen allele CA606449200.

ClinVar aggregate classification (germline): Likely benign. Review status: criteria provided, single submitter (1 of 4 stars). 4 submissions from 4 submitters: Likely benign (1). 3 of the submissions do not count toward it. Last evaluated 2025-04-28.

Conditions:
Joubert syndrome. Also called: CEREBELLOPARENCHYMAL DISORDER IV; JOUBERT-BOLTSHAUSER SYNDROME; Familial aplasia of the vermis. Identifiers: Orphanet 475, MedGen C5979921, MONDO:0018772.
Nephronophthisis. Also called: Juvenile Nephronophthisis. Identifiers: Orphanet 655, MedGen C0687120, MONDO:0019005, HP:0000090.
Meckel-Gruber syndrome. Also called: DYSENCEPHALIA SPLANCHNOCYSTICA; GRUBER SYNDROME; Dysencephalia splachnocystica. Identifiers: Orphanet 564, MedGen C0265215, MONDO:0018921.
CEP290-related disorder. Also called: CEP290-related disorders; CEP290-related condition. Identifiers: MedGen CN239314.

Allele frequency attached by ClinVar (database versions not stated): gnomAD 0.00001; gnomAD exomes 0.00001; TOPMed 0.00001.
gnomAD v4.1: 11 of 1,349,740 alleles (0.00081%); highest among the groups gnomAD compares: African/African-American, 0.0029%; no homozygotes.

Submissions (4):

Labcorp Genetics (formerly Invitae), Labcorp
Classification: Likely benign for Joubert syndrome; Meckel-Gruber syndrome; Nephronophthisis. Last evaluated: 2025-04-28. Review status: criteria provided, single submitter. Criteria: Invitae Variant Classification Sherloc (09022015). Collection method: clinical testing. Allele origin: germline.

PreventionGenetics, part of Exact Sciences
Classification: Likely benign for CEP290-related condition. Last evaluated: 2021-04-06. Review status: no assertion criteria provided. Collection method: clinical testing. Allele origin: germline. Not counted in ClinVar's aggregate classification.
Comment: This variant is classified as likely benign based on ACMG/AMP sequence variant interpretation guidelines (Richards et al. 2015 PMID: 25741868, with internal and published modifications).

Clinical Genetics DNA and cytogenetics Diagnostics Lab, Erasmus MC, Erasmus Medical Center
Classification: Likely benign. Review status: no assertion criteria provided. Collection method: clinical testing. Allele origin: germline. Affected: yes. Study: VKGL Data-share Consensus. Not counted in ClinVar's aggregate classification.

Clinical Genetics, Academic Medical Center
Classification: Likely benign. Review status: no assertion criteria provided. Collection method: clinical testing. Allele origin: germline. Affected: yes. Study: VKGL Data-share Consensus. Not counted in ClinVar's aggregate classification.